The following is an entry in ClinVar:

ClinVar aggregate classification (germline): Uncertain significance. Review status: criteria provided, multiple submitters, no conflicts (2 of 4 stars). 4 submissions from 4 submitters: Uncertain significance (4). Last evaluated 2026-08-01.

Conditions:
Hereditary cancer-predisposing syndrome. Also called: Hereditary neoplastic syndrome; Tumor predisposition; Neoplastic Syndromes, Hereditary; Hereditary Cancer Syndrome. Identifiers: Orphanet 140162, MedGen C0027672, MeSH D009386, MONDO:0015356.
Neuroblastoma, susceptibility to, 3. Also called: ALK-Related Neuroblastic Tumor Susceptibility. Identifiers: Orphanet 635, MedGen C2751681, MONDO:0013083, OMIM 613014.

Allele frequency attached by ClinVar (database versions not stated): ExAC 0.00001; gnomAD 0.00001 and 0.00002; gnomAD exomes 0.00001 and 0.00002; TOPMed 0.00004.
gnomAD v4.1: 19 of 1,613,492 alleles (0.0012%); highest among the groups gnomAD compares: Middle Eastern, 0.018%; no homozygotes.

Submissions (4):

CeGaT Center for Human Genetics Tuebingen
Classification: Uncertain significance. Last evaluated: 2026-08-01. Review status: criteria provided, single submitter. Criteria: CeGaT Center For Human Genetics Tuebingen Variant Classification Criteria Version 2. Collection method: clinical testing. Allele origin: germline. Affected: yes. Observed: 1 variant allele.

Labcorp Genetics (formerly Invitae), Labcorp
Classification: Uncertain significance for Neuroblastoma, susceptibility to, 3. Last evaluated: 2025-12-08. Review status: criteria provided, single submitter. Criteria: Invitae Variant Classification Sherloc (09022015). Collection method: clinical testing. Allele origin: germline.
Comment: This sequence change replaces valine, which is neutral and non-polar, with isoleucine, which is neutral and non-polar, at codon 1358 of the ALK protein (p.Val1358Ile). This variant is present in population databases (rs774271469, gnomAD 0.01%). This variant has not been reported in the literature in individuals affected with ALK-related conditions. ClinVar contains an entry for this variant (Variation ID: 470863). An algorithm developed to predict the effect of missense changes on protein structure and function (PolyPhen-2) suggests that this variant is likely to be disruptive. In summary, the available evidence is currently insufficient to determine the role of this variant in disease. Therefore, it has been classified as a Variant of Uncertain Significance.

Ambry Genetics
Classification: Uncertain significance for Hereditary cancer-predisposing syndrome. Last evaluated: 2024-03-13. Review status: criteria provided, single submitter. Criteria: Ambry Variant Classification Scheme 2023. Collection method: clinical testing. Allele origin: germline.
Comment: The p.V1358I variant (also known as c.4072G>A), located in coding exon 27 of the ALK gene, results from a G to A substitution at nucleotide position 4072. The valine at codon 1358 is replaced by isoleucine, an amino acid with highly similar properties. This variant has been reported in 1/1120 pediatric cancer patients who underwent whole genome sequencing and/or whole exome sequencing; this patient was diagnosed with hyperdiploid ALL (Zhang J et al. N Engl J Med, 2015 Dec;373:2336-2346). This amino acid position is highly conserved in available vertebrate species. In addition, this alteration is predicted to be tolerated by in silico analysis. Since supporting evidence is limited at this time, the clinical significance of this alteration remains unclear.

Baylor Genetics
Classification: Uncertain significance for Neuroblastoma, susceptibility to, 3. Last evaluated: 2023-10-10. Review status: criteria provided, single submitter. Criteria: ACMG Guidelines, 2015. Collection method: clinical testing. Allele origin: unknown.

Literature cited by the submitters: PubMed 26580448 (cited by Ambry Genetics).

NM_004304.5(ALK):c.4072G>A (p.Val1358Ile)

Gene: ALK (ALK receptor tyrosine kinase; minus strand). Cytogenetic location: 2p23.2.
Variant type: single nucleotide variant.
Coding change: c.4072G>A on transcript NM_004304.5 (MANE Select); coding-DNA position 4072, G replaced by A.
Protein change: p.Val1358Ile; replaces valine 1358 with isoleucine.
Molecular consequence: missense variant.
Genome position (GRCh38, 1-based): chr2:29,197,543, C>T on the plus strand (G>A on the coding strand, the complement: ALK is on the minus strand). VCF-style: chr2-29197543-C-T. GRCh37 (hg19) VCF-style: chr2-29420409-C-T.
Other names: c.868G>A, p.Val290Ile (NM_001353765.2); short protein forms V1358I, V290I.
Identifiers: ClinVar variation 470863 (VCV000470863.14), dbSNP rs774271469, ClinGen allele CA1593696.